The following is an entry in ClinVar:

NM_003072.5(SMARCA4):c.2111_2115del (p.Arg704fs)

Gene: SMARCA4 (SWI/SNF related BAF chromatin remodeling complex subunit ATPase 4; plus strand). Cytogenetic location: 19p13.2.
Variant type: Deletion.
Coding change: c.2111_2115del on transcript NM_003072.5 (MANE Select); coding-DNA positions 2111 to 2115, 5 bases deleted (GGCAC; older notation c.2111_2115delGGCAC).
Protein change: p.Arg704fs; shifts the reading frame from arginine 704.
Molecular consequence: frameshift variant. On other transcripts: non-coding transcript variant (1).
Genome position (GRCh38, 1-based): chr19:11,008,011-11,008,015, GGCAC deleted; deleting any 5 consecutive bases within chr19:11,008,010-11,008,015 gives the same sequence; the c. name uses the placement nearest the transcript's 3' end. VCF-style (leftmost placement, unchanged base first): chr19-11008009-GCGGCA-G. GRCh37 (hg19) VCF-style: chr19-11118685-GCGGCA-G.
Other names: c.2111_2115del, p.Arg704fs (NM_001374457.1, NM_001387283.1, NM_001128844.3 and 5 more transcripts); short protein forms R704fs.
Identifiers: ClinVar variation 1454001 (VCV001454001.6), dbSNP rs2146193795, ClinGen allele CA2573155639.

ClinVar aggregate classification (germline): Pathogenic (1 of 4 stars; one submission).

Conditions:
Rhabdoid tumor predisposition syndrome 2 (RTPS2). Identifiers: Orphanet 231108, Orphanet 69077, MedGen C2750074, MONDO:0013224, OMIM 613325.

Submission:

Labcorp Genetics (formerly Invitae), Labcorp
Classification: Pathogenic for Rhabdoid tumor predisposition syndrome 2. Last evaluated: 2021-02-12. Review status: criteria provided, single submitter. Criteria: Invitae Variant Classification Sherloc (09022015). Collection method: clinical testing. Allele origin: germline.
Comment: For these reasons, this variant has been classified as Pathogenic. This variant has not been reported in the literature in individuals with SMARCA4-related conditions. This variant is not present in population databases (ExAC no frequency). This sequence change creates a premature translational stop signal (p.Arg704Hisfs*3) in the SMARCA4 gene. It is expected to result in an absent or disrupted protein product. Loss-of-function variants in SMARCA4 are known to be pathogenic (PMID: 24658001, 24658002).

Literature cited by the submitters: PubMed 24658001; PubMed 24658002.